The following is an entry in ClinVar:

NM_173689.7(CRB2):c.3642G>C (p.Leu1214=)

Gene: CRB2 (crumbs cell polarity complex component 2; plus strand). Cytogenetic location: 9q33.3.
Variant type: single nucleotide variant.
Coding change: c.3642G>C on transcript NM_173689.7 (MANE Select); coding-DNA position 3642, G replaced by C.
Protein change: p.Leu1214=; no amino-acid change (leucine 1214 retained).
Molecular consequence: synonymous variant. On other transcripts: non-coding transcript variant (1).
Genome position (GRCh38, 1-based): chr9:123,376,846, G>C. VCF-style: chr9-123376846-G-C. GRCh37 (hg19) VCF-style: chr9-126139125-G-C.
Identifiers: ClinVar variation 3029627 (VCV003029627.2), dbSNP rs186375673, ClinGen allele CA467089741.

ClinVar aggregate classification (germline): Likely benign (0 of 4 stars; one submission).

Conditions:
CRB2-related disorder. Also called: CRB2-related disorders; CRB2-related condition.

Submission:

PreventionGenetics, part of Exact Sciences
Classification: Likely benign for CRB2-related condition. Last evaluated: 2023-09-27. Review status: no assertion criteria provided. Collection method: clinical testing. Allele origin: germline.
Comment: This variant is classified as likely benign based on ACMG/AMP sequence variant interpretation guidelines (Richards et al. 2015 PMID: 25741868, with internal and published modifications).